The following is an entry in ClinVar:

ClinVar aggregate classification (germline): Uncertain significance (1 of 4 stars; one submission).

Conditions:
3-methylcrotonyl-CoA carboxylase 1 deficiency (MCC1D). Also called: MCCD TYPE 1; METHYLCROTONYLGLYCINURIA TYPE I; MCC 1 deficiency; 3 Alpha methylcrotonylglycinuria 1. Identifiers: Orphanet 6, MedGen CN028786, MONDO:0008861, OMIM 210200.

Allele frequency attached by ClinVar (database versions not stated): TOPMed 0.00001.

Submission:

Labcorp Genetics (formerly Invitae), Labcorp
Classification: Uncertain significance for 3-methylcrotonyl-CoA carboxylase 1 deficiency. Last evaluated: 2022-08-02. Review status: criteria provided, single submitter. Criteria: Invitae Variant Classification Sherloc (09022015). Collection method: clinical testing. Allele origin: germline.
Comment: In summary, the available evidence is currently insufficient to determine the role of this variant in disease. Therefore, it has been classified as a Variant of Uncertain Significance. Algorithms developed to predict the effect of missense changes on protein structure and function (SIFT, PolyPhen-2, Align-GVGD) all suggest that this variant is likely to be tolerated. This variant has not been reported in the literature in individuals affected with MCCC1-related conditions. This variant is not present in population databases (gnomAD no frequency). This sequence change replaces proline, which is neutral and non-polar, with leucine, which is neutral and non-polar, at codon 23 of the MCCC1 protein (p.Pro23Leu).

NM_020166.5(MCCC1):c.68C>T (p.Pro23Leu)

Gene: MCCC1 (methylcrotonyl-CoA carboxylase subunit 1; minus strand). Cytogenetic location: 3q27.1.
Variant type: single nucleotide variant.
Coding change: c.68C>T on transcript NM_020166.5 (MANE Select); coding-DNA position 68, C replaced by T.
Protein change: p.Pro23Leu; replaces proline 23 with leucine.
Molecular consequence: missense variant. On other transcripts: 5 prime UTR variant (2), non-coding transcript variant (1).
Genome position (GRCh38, 1-based): chr3:183,099,373, G>A on the plus strand (C>T on the coding strand, the complement: MCCC1 is on the minus strand). VCF-style: chr3-183099373-G-A. GRCh37 (hg19) VCF-style: chr3-182817161-G-A.
Other names: c.-25C>T (NM_001293273.2); c.-123C>T (NM_001363880.1); short protein forms P23L.
Identifiers: ClinVar variation 1907630 (VCV001907630.4), dbSNP rs1293019202, ClinGen allele CA355324201.